The following is an entry in ClinVar:

ClinVar aggregate classification (germline): Uncertain significance (1 of 4 stars; one submission).

Allele frequency attached by ClinVar (database versions not stated): gnomAD exomes below 0.00001; gnomAD 0.00001; 1000 Genomes Project 30x 0.00016.
gnomAD v4.1: 6 of 1,614,016 alleles (0.00037%); highest among the groups gnomAD compares: Admixed American, 0.0017%; no homozygotes.

Submission:

GeneDx
Classification: Uncertain significance. Last evaluated: 2021-06-30. Review status: criteria provided, single submitter. Criteria: GeneDx Variant Classification Process June 2021. Collection method: clinical testing. Allele origin: germline. Affected: yes.
Comment: Not observed at significant frequency in large population cohorts (Lek et al., 2016); In silico analysis supports that this missense variant has a deleterious effect on protein structure/function; Has not been previously published as pathogenic or benign to our knowledge; This variant is associated with the following publications: (PMID: 27535533)

NM_020754.4(ARHGAP31):c.145G>A (p.Gly49Ser)

Gene: ARHGAP31 (Rho GTPase activating protein 31; plus strand). Cytogenetic location: 3q13.33.
Variant type: single nucleotide variant.
Coding change: c.145G>A on transcript NM_020754.4 (MANE Select); coding-DNA position 145, G replaced by A.
Protein change: p.Gly49Ser; replaces glycine 49 with serine.
Molecular consequence: missense variant.
Genome position (GRCh38, 1-based): chr3:119,365,360, G>A. VCF-style: chr3-119365360-G-A. GRCh37 (hg19) VCF-style: chr3-119084207-G-A.
Other names: short protein forms G49S.
Identifiers: ClinVar variation 1331264 (VCV001331264.2), dbSNP rs2107622807, ClinGen allele CA354349439.
Genomic context (GRCh38, chr3:119,365,360, plus strand): 5'-CTTTTCTTTTACATAGTTCCATACGTTTTGAAGAGCTGTGCAGAATTTATAGAGACTCAC[G>A]GCATCGTGGATGGAATCTATCGGCTTTCAGGAGTCACCTCAAACATACAACGGCTAAGGT-3'
Protein context (NP_065805.2, residues 39-59): KSCAEFIETH[Gly49Ser]IVDGIYRLSG